The following is an entry in ClinVar:

ClinVar aggregate classification (germline): Uncertain significance. Review status: criteria provided, multiple submitters, no conflicts (2 of 4 stars). 2 submissions from 2 submitters: Uncertain significance (2). Last evaluated 2021-10-21.

Allele frequency attached by ClinVar (database versions not stated): gnomAD exomes below 0.00001.
gnomAD v4.1: 1 of 1,614,180 alleles (0.000062%); highest among the groups gnomAD compares: Non-Finnish European, 0.000085%; no homozygotes.

Submissions (2):

Labcorp Genetics (formerly Invitae), Labcorp
Classification: Uncertain significance. Last evaluated: 2021-10-21. Review status: criteria provided, single submitter. Criteria: Invitae Variant Classification Sherloc (09022015). Collection method: clinical testing. Allele origin: germline.
Comment: In summary, the available evidence is currently insufficient to determine the role of this variant in disease. Therefore, it has been classified as a Variant of Uncertain Significance. Algorithms developed to predict the effect of missense changes on protein structure and function (SIFT, PolyPhen-2, Align-GVGD) all suggest that this variant is likely to be disruptive. This variant has not been reported in the literature in individuals affected with ELOVL4-related conditions. This variant is not present in population databases (ExAC no frequency). This sequence change replaces tyrosine with cysteine at codon 254 of the ELOVL4 protein (p.Tyr254Cys). The tyrosine residue is highly conserved and there is a large physicochemical difference between tyrosine and cysteine.

Blueprint Genetics
Classification: Uncertain significance. Last evaluated: 2021-09-06. Review status: criteria provided, single submitter. Criteria: ACMG Guidelines, 2015. Collection method: clinical testing. Allele origin: germline.

NM_022726.4(ELOVL4):c.761A>G (p.Tyr254Cys)

Gene: ELOVL4 (ELOVL fatty acid elongase 4; minus strand). Cytogenetic location: 6q14.1.
Variant type: single nucleotide variant.
Coding change: c.761A>G on transcript NM_022726.4 (MANE Select); coding-DNA position 761, A replaced by G.
Protein change: p.Tyr254Cys; replaces tyrosine 254 with cysteine.
Molecular consequence: missense variant.
Genome position (GRCh38, 1-based): chr6:79,916,792, T>C on the plus strand (A>G on the coding strand, the complement: ELOVL4 is on the minus strand). VCF-style: chr6-79916792-T-C. GRCh37 (hg19) VCF-style: chr6-80626509-T-C.
Other names: short protein forms Y254C.
Identifiers: ClinVar variation 1388370 (VCV001388370.7), dbSNP rs2127697598, ClinGen allele CA364655904.